The following is an entry in ClinVar:

ClinVar aggregate classification (germline): Uncertain significance (1 of 4 stars; one submission).

Conditions:
Developmental and epileptic encephalopathy, 37 (DEE37). Also called: Epileptic encephalopathy, early infantile, 37. Identifiers: MedGen C4310770, MONDO:0014859, OMIM 616981.

Submission:

Labcorp Genetics (formerly Invitae), Labcorp
Classification: Uncertain significance for Developmental and epileptic encephalopathy, 37. Last evaluated: 2021-08-31. Review status: criteria provided, single submitter. Criteria: Invitae Variant Classification Sherloc (09022015). Collection method: clinical testing. Allele origin: germline.
Comment: This sequence change replaces proline with serine at codon 56 of the FRRS1L protein (p.Pro56Ser). The proline residue is weakly conserved and there is a moderate physicochemical difference between proline and serine. The frequency data for this variant in the population databases is considered unreliable, as metrics indicate insufficient coverage at this position in the ExAC database. This variant has not been reported in the literature in individuals affected with FRRS1L-related conditions. Algorithms developed to predict the effect of missense changes on protein structure and function are either unavailable or do not agree on the potential impact of this missense change (SIFT: "Deleterious"; PolyPhen-2: "Possibly Damaging"; Align-GVGD: "Class C0"). In summary, the available evidence is currently insufficient to determine the role of this variant in disease. Therefore, it has been classified as a Variant of Uncertain Significance.

NM_014334.4(FRRS1L):c.13C>T (p.Pro5Ser)

Gene: FRRS1L (ferric chelate reductase 1 like; minus strand). Cytogenetic location: 9q31.3.
Variant type: single nucleotide variant.
Coding change: c.13C>T on transcript NM_014334.4 (MANE Select); coding-DNA position 13, C replaced by T.
Protein change: p.Pro5Ser; replaces proline 5 with serine.
Molecular consequence: missense variant.
Genome position (GRCh38, 1-based): chr9:109,167,126, G>A on the plus strand (C>T on the coding strand, the complement: FRRS1L is on the minus strand). VCF-style: chr9-109167126-G-A. GRCh37 (hg19) VCF-style: chr9-111929406-G-A.
Other names: short protein forms P5S.
Identifiers: ClinVar variation 998766 (VCV000998766.8), dbSNP rs1831565217, ClinGen allele CA374430678.